The following is an entry in ClinVar:

ClinVar aggregate classification (germline): Benign (1 of 4 stars; one submission).

Allele frequency attached by ClinVar (database versions not stated): 1000 Genomes Project 30x 0.01145; 1000 Genomes Project 0.01192; TOPMed 0.01864; gnomAD 0.02065 and 0.02094.
gnomAD v4.1: 2,336 of 112,744 alleles (2.1%); highest among the groups gnomAD compares: Middle Eastern, 3.7%; 22 homozygotes.

Submission:

GeneDx
Classification: Benign. Last evaluated: 2018-06-16. Review status: criteria provided, single submitter. Criteria: GeneDx Variant Classification (06012015). Collection method: clinical testing. Allele origin: germline. Affected: yes.
Comment: This variant is considered likely benign or benign based on one or more of the following criteria: it is a conservative change, it occurs at a poorly conserved position in the protein, it is predicted to be benign by multiple in silico algorithms, and/or has population frequency not consistent with disease.

NM_004006.3(DMD):c.9650-273G>A

Gene: DMD (dystrophin; minus strand). Cytogenetic location: Xp21.2.
Variant type: single nucleotide variant.
Coding change: c.9650-273G>A on transcript NM_004006.3 (MANE Select); 273 bases into the intron before coding-DNA position 9650, G replaced by A.
Molecular consequence: intron variant.
Genome position (GRCh38, 1-based): chrX:31,204,391, C>T on the plus strand (G>A on the coding strand, the complement: DMD is on the minus strand). VCF-style: chrX-31204391-C-T. GRCh37 (hg19) VCF-style: chrX-31222508-C-T.
Other names: c.9626-273G>A (NM_000109.4); c.5627-273G>A (NM_004011.4); c.5618-273G>A (NM_004012.4); c.2270-273G>A (NM_004023.3, NM_004020.4, NM_004022.3 and 2 more transcripts); c.1463-273G>A (NM_004014.3); c.446-273G>A (NM_004018.3, NM_004017.3, NM_004016.3 and 2 more transcripts); c.9638-273G>A (NM_004009.3); c.9281-273G>A (NM_004010.3).
Identifiers: ClinVar variation 668593 (VCV000668593.1), dbSNP rs17329840, ClinGen allele CA328407696.
Genomic context (GRCh38, chrX:31,204,391, plus strand): 5'-TACATAAACTGTGTCACTGCAAGAAGCGCAAGCTTACACGTACCCTCGACACTTAAATTT[C>T]TTCTAAGCCAGAACATAATCCTTGGGAATTATTGTATATAGGATGTAACTACATCAAAAA-3'